The following is an entry in ClinVar:

NM_024685.4(BBS10):c.1514_1520del (p.Pro505fs)

Gene: BBS10 (Bardet-Biedl syndrome 10; minus strand). Cytogenetic location: 12q21.2.
Variant type: Deletion.
Coding change: c.1514_1520del on transcript NM_024685.4 (MANE Select); coding-DNA positions 1514 to 1520, 7 bases deleted (CGTATTC; older notation c.1514_1520delCGTATTC).
Protein change: p.Pro505fs; shifts the reading frame from proline 505.
Molecular consequence: frameshift variant.
Genome position (GRCh38, 1-based): chr12:76,346,465-76,346,471, GAATACG deleted on the plus strand (CGTATTC on the coding strand, the reverse complement: BBS10 is on the minus strand); deleting any 7 consecutive bases within chr12:76,346,465-76,346,476 gives the same sequence; the c. name uses the placement nearest the transcript's 3' end. VCF-style (leftmost placement, unchanged base first): chr12-76346464-TGAATACG-T. GRCh37 (hg19) VCF-style: chr12-76740244-TGAATACG-T.
Other names: short protein forms P505fs.
Identifiers: ClinVar variation 961226 (VCV000961226.7), dbSNP rs1951758972, ClinGen allele CA1139662788.
Genomic context (GRCh38, chr12:76,346,464, plus strand): 5'-AGACAAACATGTCAGCGTTTCAACTGTTTGGAATGTATCTGTTGGTGTCAGTGTGGGGGT[TGAATACG>T]GAATATATGTTTCTAATTCTACATCTGGAATTACCAAATTAGAATGTACTTTTAAATATG-3'

ClinVar aggregate classification (germline): Pathogenic (1 of 4 stars; one submission).

Conditions:
Bardet-Biedl syndrome (BBS). Identifiers: Orphanet 110, MedGen C0752166, MONDO:0015229.

Submission:

Labcorp Genetics (formerly Invitae), Labcorp
Classification: Pathogenic for Bardet-Biedl syndrome. Last evaluated: 2021-09-16. Review status: criteria provided, single submitter. Criteria: Invitae Variant Classification Sherloc (09022015). Collection method: clinical testing. Allele origin: germline.
Comment: For these reasons, this variant has been classified as Pathogenic. This variant disrupts a region of the BBS10 protein in which other variant(s) (p.Val707*) have been determined to be pathogenic (PMID: 20472660, 22773737, 25982971, 27486776). This suggests that this is a clinically significant region of the protein, and that variants that disrupt it are likely to be disease-causing. This variant has not been reported in the literature in individuals affected with BBS10-related conditions. This variant is not present in population databases (ExAC no frequency). This sequence change creates a premature translational stop signal (p.Pro505Glnfs*5) in the BBS10 gene. While this is not anticipated to result in nonsense mediated decay, it is expected to disrupt the last 219 amino acid(s) of the BBS10 protein.

Literature cited by the submitters: PubMed 20472660; PubMed 22773737; PubMed 25982971; PubMed 27486776.